The following is an entry in ClinVar:

ClinVar aggregate classification (germline): Pathogenic (1 of 4 stars; one submission).

Conditions:
Retinitis pigmentosa (RP). Identifiers: Orphanet 791, MedGen C0035334, MeSH D012174, MONDO:0019200, OMIM 268000. Inheritance: Autosomal dominant, autosomal recessive and X linked inheritance.

Submission:

Women's Health and Genetics/Laboratory Corporation of America, LabCorp
Classification: Pathogenic for Retinitis pigmentosa. Last evaluated: 2025-02-18. Review status: criteria provided, single submitter. Criteria: LabCorp Variant Classification Summary - May 2015. Collection method: clinical testing. Allele origin: germline.
Comment: Variant summary: The variant involves the deletion of exons 1-26 in the EYS gene. A presumed nomenclature of c.(?_-540)_(5644+1_5645-1)del has been designated for the purposes of this classification. The exact breakpoint at the 5' end of this variant is unknown, therefore this deletion may extend upstream of the annotated region of this gene. Although the exact breakpoints of this deletion are not known, it is predicted to remove the initiation codon and result in an absence of protein or a truncation of the encoded protein due to translation initiation at a downstream site. The variant allele was found at a frequency of 4.7e-05 in 21080 control chromosomes. To our knowledge, no occurrence of c.(?_-540)_(5644+1_5645-1)del in individuals affected with Retinitis Pigmentosa and no experimental evidence demonstrating its impact on protein function have been reported. No submitters have cited clinical-significance assessments for this variant to ClinVar. Based on the evidence outlined above, the variant was classified as pathogenic.

NC_000006.11:g.(65149246_65300115)_(66417120_?)del

Gene: EYS (EGF-like photoreceptor maintenance factor; minus strand). Cytogenetic location: 6q12.
Variant type: Deletion.
Identifiers: ClinVar variation 3769003 (VCV003769003.1).